The following is an entry in ClinVar:

ClinVar aggregate classification (germline): Pathogenic. Review status: reviewed by expert panel (3 of 4 stars). 9 submissions from 9 submitters: Pathogenic (1). 8 of the submissions do not count toward it. Last evaluated 2021-09-24.

Conditions:
CFTR-related disorder (CFTR-RD). Also called: CFTR-related condition; CFTR-related disorders. Identifiers: MedGen C5924204, MONDO:7770004.
Cystic fibrosis (CF). Also called: MUCOVISCIDOSIS. Identifiers: Orphanet 586, MedGen C0010674, MONDO:0009061, OMIM 219700. Disease mechanism: loss of function.
Bronchiectasis with or without elevated sweat chloride 1 (BESC1). Also called: Cystic Fibrosis-Like Syndrome. Identifiers: Orphanet 60033, MedGen C2749757, MONDO:0008887, OMIM 211400.
Congenital bilateral aplasia of vas deferens from CFTR mutation (CBAVD). Identifiers: Orphanet 48, MedGen C0403814, MONDO:0010178, OMIM 277180. Disease mechanism: loss of function.
Hereditary pancreatitis (PCTT). Also called: PRSS1-Related Hereditary Pancreatitis; Hereditary chronic pancreatitis. Identifiers: Orphanet 676, MedGen C0238339, MONDO:0008185, OMIM 167800.

Submissions (9):

CFTR2
Classification: Pathogenic for Cystic fibrosis. Last evaluated: 2021-09-24. Review status: reviewed by expert panel. Criteria: Submitter's publication and website. Collection method: research. Allele origin: germline. Affected: yes.

Natera, Inc.
Classification: Pathogenic for CFTR-related disorders. Last evaluated: 2025-10-15. Review status: criteria provided, single submitter. Criteria: Natera Variant Classification Schema (03/2026). Collection method: clinical testing. Allele origin: germline. Not counted in ClinVar's aggregate classification.
Comment: The c.346G>A variant in CFTR is a missense variant predicted to cause substitution of glutamic acid to lysine at amino acid 116. This variant is rare in the general population with a frequency below the threshold expected for the associated phenotype(s). This variant has been observed in one or more individuals affected with the associated recessive disease, as either homozygous or compound heterozygous with a second variant (PMID: 31740593, 19843100). Functional studies show that this variant may disrupt protein function (PMID: 38388235, 35527187, 30046002). Computational prediction algorithms indicate this variant is likely to affect gene or protein function. Given the available evidence, this variant is classified as Pathogenic.

Labcorp Genetics (formerly Invitae), Labcorp
Classification: Pathogenic for Cystic fibrosis. Last evaluated: 2025-06-22. Review status: criteria provided, single submitter. Criteria: Invitae Variant Classification Sherloc (09022015). Collection method: clinical testing. Allele origin: germline. Not counted in ClinVar's aggregate classification.
Comment: This sequence change replaces glutamic acid, which is acidic and polar, with lysine, which is basic and polar, at codon 116 of the CFTR protein (p.Glu116Lys). This variant is not present in population databases (gnomAD no frequency). This missense change has been observed in individual(s) with clinical features of cystic fibrosis (PMID: 15858154, 19843100; internal data). In at least one individual the data is consistent with being in trans (on the opposite chromosome) from a pathogenic variant. ClinVar contains an entry for this variant (Variation ID: 53754). Invitae Evidence Modeling of protein sequence and biophysical properties (such as structural, functional, and spatial information, amino acid conservation, physicochemical variation, residue mobility, and thermodynamic stability) indicates that this missense variant is expected to disrupt CFTR protein function with a positive predictive value of 80%. Experimental studies have shown that this missense change affects CFTR function (PMID: 11278813, 29805046, 30046002). For these reasons, this variant has been classified as Pathogenic.

Fulgent Genetics
Classification: Pathogenic for Hereditary pancreatitis; Bronchiectasis with or without elevated sweat chloride 1; Cystic fibrosis; Congenital bilateral aplasia of vas deferens from CFTR mutation. Last evaluated: 2023-12-22. Review status: criteria provided, single submitter. Criteria: ACMG Guidelines, 2015. Collection method: clinical testing. Allele origin: germline. Not counted in ClinVar's aggregate classification.

Women's Health and Genetics/Laboratory Corporation of America, LabCorp
Classification: Pathogenic for Cystic fibrosis. Last evaluated: 2023-06-02. Review status: criteria provided, single submitter. Criteria: LabCorp Variant Classification Summary - May 2015. Collection method: clinical testing. Allele origin: germline. Not counted in ClinVar's aggregate classification.
Comment: Variant summary: CFTR c.346G>A (p.Glu116Lys) results in a conservative amino acid change located in the ABC transporter type 1, transmembrane domain (IPR011527) of the encoded protein sequence. Three of five in-silico tools predict a damaging effect of the variant on protein function. The variant was absent in 251008 control chromosomes. c.346G>A has been reported in the literature in a homozygous patient suspected of Cystic Fibrosis (Schrijver_2005) and compound heterozygous patients with Cystic Fibrosis and related conditions (Brugel_2010 and Sickkids_database). These data indicate that the variant is likely to be associated with disease. At least one publication reports experimental evidence evaluating an impact on protein function demonstrating reduced transport of mature CFTR protein to cell surface and destabalization of the open state of chloride channel (Hammerle_2001) and severely reduced functionality (Raraigh_2018). The following publications have been ascertained in the context of this evaluation (PMID: 19843100, 11278813, 30888834, 29805046, 15858154, Sickkids_database).Five clinical diagnostic laboratories have submitted clinical-significance assessments for this variant to ClinVar after 2014 without evidence for independent evaluation. All laboratories classified the variant as pathogenic (n=3) and likely pathogenic (n=3). Based on the evidence outlined above, the variant was classified as pathogenic.

CFTR-France
Classification: Pathogenic for cystic fibrosis; CFTR-related disorders. Last evaluated: 2021-01-18. Review status: criteria provided, single submitter. Criteria: Claustres M et al. (Hum Mutat 2017). Collection method: curation. Allele origin: germline. Affected: yes. Not counted in ClinVar's aggregate classification.
Comment: the variant causes a phenotype but regarding our data, we can't formally attribute it to CF, CFTR-RD or both

ARUP Laboratories, Molecular Genetics and Genomics, ARUP Laboratories
Classification: Likely pathogenic. Last evaluated: 2018-05-30. Review status: criteria provided, single submitter. Criteria: ARUP Molecular Germline Variant Investigation Process. Collection method: clinical testing. Allele origin: germline. Not counted in ClinVar's aggregate classification.
Comment: The CFTR c.346G>A; p.Glu116Lys variant (rs397508571) has been described in the compound heterozygous state in individuals with mild cystic fibrosis and allergic bronchopulmonary aspergillosis, and in the homozygous state in one individual with a CFTR-related disorder with unknown clinical phenotype (see link to SickKids database, Burgel 2010, Schrijver 2005). It is absent from general population databases (1000 Genomes Project, Exome Variant Server, and Genome Aggregation Database), indicating it is not a common polymorphism. The glutamic acid at codon 116 is highly conserved, but computational algorithms (PolyPhen-2: probably damaging, SIFT: tolerated) are inconclusive on the effects of this variant on protein structure and/or function. Functional studies demonstrate destabilization of the open state of the chloride channel and slightly reduced transport of mature CFTR protein to the cell surface (Hammerle 2001). Based on available information, this variant is considered likely pathogenic. References: SickKids Databse: Burgel P et al. Non-classic cystic fibrosis associated with D1152H CFTR mutation. Clin Genet. 2010 Apr;77(4):355-64. Hammerle M et al. Disease-associated mutations in the extracytoplasmic loops of cystic fibrosis transmembrane conductance regulator do not impede biosynthetic processing but impair chloride channel stability. J Biol Chem. 2001 May 4;276(18):14848-54. Schrijver I et al. Diagnostic testing by CFTR gene mutation analysis in a large group of Hispanics: novel mutations and assessment of a population-specific mutation spectrum. J Mol Diagn. 2005 May;7(2):289-99.

Ambry Genetics
Classification: Likely pathogenic for Cystic fibrosis. Last evaluated: 2015-05-19. Review status: criteria provided, single submitter. Criteria: Ambry Variant Classification Scheme 2023. Collection method: clinical testing. Allele origin: germline. Not counted in ClinVar's aggregate classification.
Comment: The p.E116K variant (also known as c.346G>A), located in coding exon 4 of the CFTR gene, results from a G to A substitution at nucleotide position 346. The glutamic acid at codon 116 is replaced by lysine, an amino acid with similar properties. In vitro studies demonstrated that this alteration affects protein chloride channel current and transport to the cell membrane (Cui et al. J Gen Physiol. 2014;144(2):159-79; Hammerle et al. J. Biol. Chem. 2001 May; 276(18):14848-54; Lu et al. J. Biol. Chem. 1998 Jan; 273(1):568-76). In addition, this variant has been detected in conjunction with a pathogenic alteration in CFTR several times by our laboratory to date. This variant is unknown to be in cis or trans with these known pathogenic alterations. This variant was not reported in population based cohorts in the following databases: Database of Single Nucleotide Polymorphisms (dbSNP), NHLBI Exome Sequencing Project (ESP), and 1000 Genomes Project. In the ESP, this variant was not observed in 6503 samples (13006 alleles) with coverage at this position. This amino acid position is highly conserved in available vertebrate species. In addition, this alteration is predicted to be probably damaging and tolerated by PolyPhen and SIFT in silico analyses, respectively. Based on the majority of available evidence to date, this variant is likely to be pathogenic.

ClinVar Staff, National Center for Biotechnology Information (NCBI)
No classification provided. Condition: CFTR-related disorders. Review status: no classification provided. Collection method: literature only. Allele origin: germline. Affected: yes. Not counted in ClinVar's aggregate classification.

Literature cited by the submitters: PubMed 31740593 (cited by Natera, Inc.); PubMed 19843100 (cited by 4 submitters); PubMed 38388235 (cited by Natera, Inc.); PubMed 35527187 (cited by Natera, Inc.); PubMed 30046002 (cited by Natera, Inc. and Labcorp Genetics (formerly Invitae), Labcorp); PubMed 15858154 (cited by 4 submitters); PubMed 11278813 (cited by 3 submitters); PubMed 29805046 (cited by Labcorp Genetics (formerly Invitae), Labcorp and Women's Health and Genetics/Laboratory Corporation of America, LabCorp); PubMed 30888834 (cited by Women's Health and Genetics/Laboratory Corporation of America, LabCorp); PubMed 10923036 (cited by Ambry Genetics); PubMed 22658665 (cited by Ambry Genetics); PubMed 9417117 (cited by Ambry Genetics).

NM_000492.4(CFTR):c.346G>A (p.Glu116Lys)

Gene: CFTR (CF transmembrane conductance regulator; plus strand). Cytogenetic location: 7q31.2.
Variant type: single nucleotide variant.
Coding change: c.346G>A on transcript NM_000492.4 (MANE Select); coding-DNA position 346, G replaced by A.
Protein change: p.Glu116Lys; replaces glutamic acid 116 with lysine.
Molecular consequence: missense variant.
Genome position (GRCh38, 1-based): chr7:117,530,971, G>A. VCF-style: chr7-117530971-G-A. GRCh37 (hg19) VCF-style: chr7-117171025-G-A.
Other names: short protein forms E116K.
Identifiers: ClinVar variation 53754 (VCV000053754.19), dbSNP rs397508571, ClinGen allele CA327204.